The following is an entry in ClinVar:

ClinVar aggregate classification (germline): Conflicting classifications of pathogenicity. Review status: criteria provided, conflicting classifications (1 of 4 stars). 5 submissions from 5 submitters: Uncertain significance (4); Likely benign (1). Last evaluated 2026-01-06.

Conditions:
Cardiovascular phenotype. Identifiers: MedGen CN230736.
Primary dilated cardiomyopathy (DCM). Also called: Dilated Cardiomyopathy. Identifiers: Orphanet 217604, MedGen C0007193, MeSH D002311, MONDO:0005021, HP:0001644. Inheritance: Various modes of inheritance.
Glucocorticoid deficiency 5. Identifiers: MedGen C4540522, MONDO:0040502, OMIM 617825.

Allele frequency attached by ClinVar (database versions not stated): gnomAD 0.00004 and 0.00005; TOPMed 0.00013; 1000 Genomes Project 30x 0.00016; gnomAD exomes 0.00016; 1000 Genomes Project 0.00020; ExAC 0.00024.
gnomAD v4.1: 52 of 1,558,734 alleles (0.0033%); highest among the groups gnomAD compares: Admixed American, 0.06%; no homozygotes.

Submissions (5):

Labcorp Genetics (formerly Invitae), Labcorp
Classification: Uncertain significance for Primary dilated cardiomyopathy. Last evaluated: 2026-01-06. Review status: criteria provided, single submitter. Criteria: Invitae Variant Classification Sherloc (09022015). Collection method: clinical testing. Allele origin: germline.
Comment: This sequence change replaces arginine, which is basic and polar, with cysteine, which is neutral and slightly polar, at codon 254 of the TXNRD2 protein (p.Arg254Cys). This variant is present in population databases (rs183950022, gnomAD 0.09%), and has an allele count higher than expected for a pathogenic variant. This variant has not been reported in the literature in individuals affected with TXNRD2-related conditions. ClinVar contains an entry for this variant (Variation ID: 392373). Invitae Evidence Modeling of protein sequence and biophysical properties (such as structural, functional, and spatial information, amino acid conservation, physicochemical variation, residue mobility, and thermodynamic stability) indicates that this missense variant is expected to disrupt TXNRD2 protein function with a positive predictive value of 80%. In summary, the available evidence is currently insufficient to determine the role of this variant in disease. Therefore, it has been classified as a Variant of Uncertain Significance.

Fulgent Genetics
Classification: Uncertain significance for Glucocorticoid deficiency 5. Last evaluated: 2021-09-09. Review status: criteria provided, single submitter. Criteria: ACMG Guidelines, 2015. Collection method: clinical testing. Allele origin: unknown.

Knight Diagnostic Laboratories, Oregon Health and Sciences University
Classification: Uncertain significance for Glucocorticoid deficiency 5. Last evaluated: 2019-04-19. Review status: criteria provided, single submitter. Criteria: ACMG Guidelines, 2015. Collection method: clinical testing. Allele origin: germline. Observed: 1 variant allele.

Ambry Genetics
Classification: Likely benign for Cardiovascular phenotype. Last evaluated: 2018-03-21. Review status: criteria provided, single submitter. Criteria: Ambry Variant Classification Scheme 2023. Collection method: clinical testing. Allele origin: germline.

GeneDx
Classification: Uncertain significance. Last evaluated: 2017-01-03. Review status: criteria provided, single submitter. Criteria: GeneDx Variant Classification (06012015). Collection method: clinical testing. Allele origin: germline. Affected: yes.
Comment: A variant of uncertain significance has been identified in the TXNRD2 gene. The R254C variant has not been published as a pathogenic variant, nor has it been reported as a benign variant to our knowledge. The R254C variant is a non-conservative amino acid substitution, which is likely to impact secondary protein structure as these residues differ in polarity, charge, size and/or other properties. In addition, this substitution occurs at a position that is conserved across species, and in silico analysis predicts this variant is probably damaging to the protein structure/function. Data from control individuals was not available to assess whether R254C may be a common benign variant in the NHLBI Exome Sequencing Project. However, the Exome Aggregation Consortium (ExAC) reports this variant has been observed at a low frequency (0.6%; 3/496 alleles) in individuals of Latino background.Therefore, based on the currently available information, it is unclear whether this variant is pathogenic or rare benign. This result cannot be interpreted for diagnosis or used for family member screening at this time.

NM_006440.5(TXNRD2):c.760C>T (p.Arg254Cys)

Gene: TXNRD2 (thioredoxin reductase 2; minus strand). Cytogenetic location: 22q11.21.
Variant type: single nucleotide variant.
Coding change: c.760C>T on transcript NM_006440.5 (MANE Select); coding-DNA position 760, C replaced by T.
Protein change: p.Arg254Cys; replaces arginine 254 with cysteine.
Molecular consequence: missense variant. On other transcripts: non-coding transcript variant (1).
Genome position (GRCh38, 1-based): chr22:19,898,053, G>A on the plus strand (C>T on the coding strand, the complement: TXNRD2 is on the minus strand). VCF-style: chr22-19898053-G-A. GRCh37 (hg19) VCF-style: chr22-19885576-G-A.
Other names: c.760C>T, p.Arg254Cys (NM_001282512.3); c.757C>T, p.Arg253Cys (NM_001352300.2); c.670C>T, p.Arg224Cys (NM_001352301.2); c.472C>T, p.Arg158Cys (NM_001352302.2); c.664C>T, p.Arg222Cys (NM_001352303.2); short protein forms R254C, R158C, R222C, R253C, R224C.
Identifiers: ClinVar variation 392373 (VCV000392373.14), dbSNP rs183950022, ClinGen allele CA10103999.
Genomic context (GRCh38, chr22:19,898,053, plus strand): 5'-AAGGCCTCAGAGCCACAGGGGCGGGAGCTGGGGCCTCCAGCACTACCTGGTCGAAGCCGC[G>A]GAGGGGGATGCTGCGCATCATGATGGTGGTGTCCAGCCCAATCCCGGTGAGGAAGCCAGC-3'
Protein context (NP_006431.2, residues 244-264): TTIMMRSIPL[Arg254Cys]GFDQQMSSMV